The following is an entry in ClinVar:

NM_001122955.4(BSCL2):c.486+11G>T

Genes: BSCL2 (BSCL2 lipid droplet biogenesis associated, seipin; minus strand), HNRNPUL2-BSCL2 (HNRNPUL2-BSCL2 readthrough (NMD candidate); minus strand). Cytogenetic location: 11q12.3.
Variant type: single nucleotide variant.
Coding change: c.486+11G>T on transcript NM_001122955.4 (MANE Select); 11 bases into the intron after coding-DNA position 486, G replaced by T.
Molecular consequence: intron variant.
Genome position (GRCh38, 1-based): chr11:62,702,457, C>A on the plus strand (G>T on the coding strand, the complement: BSCL2 is on the minus strand). VCF-style: chr11-62702457-C-A. GRCh37 (hg19) VCF-style: chr11-62469929-C-A.
Other names: p.?; c.294+11G>T (NM_001130702.2, NM_032667.6); c.486+11G>T (NM_001386028.1, NM_001386027.1).
Identifiers: ClinVar variation 257497 (VCV000257497.25), dbSNP rs72929434, ClinGen allele CA6053560.

ClinVar aggregate classification (germline): Benign. Review status: criteria provided, multiple submitters, no conflicts (2 of 4 stars). 14 submissions from 10 submitters: Benign (12). 2 of the submissions do not count toward it. Last evaluated 2026-02-04.

Conditions:
Neuronopathy, distal hereditary motor, type 5C. Also called: NEURONOPATHY, DISTAL HEREDITARY MOTOR, HARDING TYPE VC; NEUROPATHY, DISTAL HEREDITARY MOTOR, HARDING TYPE VC; SPINAL MUSCULAR ATROPHY, DISTAL, HARDING TYPE VC; DHMN VC; NEURONOPATHY, DISTAL HEREDITARY MOTOR, AUTOSOMAL DOMINANT 13. Identifiers: MedGen C5436838, MONDO:0030860, OMIM 619112.
Severe neurodegenerative syndrome with lipodystrophy. Also called: ENCEPHALOPATHY, PROGRESSIVE, WITH LIPODYSTROPHY; Encephalopathy, progressive, with or without lipodystrophy. Identifiers: Orphanet 363400, MedGen C4014700, MONDO:0014402, OMIM 615924.
Charcot-Marie-Tooth disease type 2. Also called: Charcot-Marie-Tooth type 2. Identifiers: Orphanet 64746, MedGen C0270914, MONDO:0018993.
Congenital generalized lipodystrophy type 2 (CGL2). Also called: SEIP SYNDROME; Berardinelli-Seip Congenital Lipodystrophy Type 2; BERARDINELLI SYNDROME; BRUNZELL SYNDROME, BSCL2-RELATED. Identifiers: Orphanet 528, Orphanet 696289, MedGen C1720863, MONDO:0010020, OMIM 269700.
Hereditary spastic paraplegia 17. Also called: Spastic Paraplegia 17; Autosomal dominant spastic paraplegia type 17; Silver Syndrome; Silver spastic paraplegia syndrome; SPASTIC PARAPLEGIA WITH AMYOTROPHY OF HANDS AND FEET. Identifiers: Orphanet 100998, MedGen C2931276, MONDO:0010043, OMIM 270685.
Neuronopathy, distal hereditary motor, type 5A (HMND5). Also called: Distal Spinal Muscular Atrophy V; DHMN VA; Distal Spinal Muscular Atrophy V (dSMA-V); NEURONOPATHY, DISTAL HEREDITARY MOTOR, AUTOSOMAL DOMINANT 5. Identifiers: Orphanet 139536, MedGen CN031873, MONDO:0015353, OMIM 600794.

Allele frequency attached by ClinVar (database versions not stated): 1000 Genomes Project 0.13738; 1000 Genomes Project 30x 0.14194; TOPMed 0.16532; gnomAD 0.16794 and 0.16805; gnomAD exomes 0.17528 and 0.21096; ExAC 0.18147; ESP Exome Variant Server 0.18489.
gnomAD v4.1: 330,422 of 1,603,676 alleles (21%); highest among the groups gnomAD compares: Non-Finnish European, 23%; 35,706 homozygotes.

Submissions (14):

Labcorp Genetics (formerly Invitae), Labcorp
Classification: Benign for Charcot-Marie-Tooth disease type 2. Last evaluated: 2026-02-04. Review status: criteria provided, single submitter. Criteria: Invitae Variant Classification Sherloc (09022015). Collection method: clinical testing. Allele origin: germline.

Blueprint Genetics
Classification: Benign. Last evaluated: 2024-11-27. Review status: criteria provided, single submitter. Criteria: ACMG Guidelines, 2015. Collection method: clinical testing. Allele origin: germline.

Mayo Clinic Laboratories, Mayo Clinic
Classification: Benign. Last evaluated: 2022-05-05. Review status: criteria provided, single submitter. Criteria: ACMG Guidelines, 2015. Collection method: clinical testing. Allele origin: germline. Observed: 172 variant alleles.

Genome-Nilou Lab
Classification: Benign for Severe neurodegenerative syndrome with lipodystrophy. Last evaluated: 2021-07-14. Review status: criteria provided, single submitter. Criteria: ACMG Guidelines, 2015. Collection method: clinical testing. Allele origin: germline. Affected: no.

Genome-Nilou Lab
Classification: Benign for Congenital generalized lipodystrophy type 2. Last evaluated: 2021-07-14. Review status: criteria provided, single submitter. Criteria: ACMG Guidelines, 2015. Collection method: clinical testing. Allele origin: germline. Affected: no.

Genome-Nilou Lab
Classification: Benign for Neuronopathy, distal hereditary motor, type 5C. Last evaluated: 2021-07-14. Review status: criteria provided, single submitter. Criteria: ACMG Guidelines, 2015. Collection method: clinical testing. Allele origin: germline. Affected: no.

Genome-Nilou Lab
Classification: Benign for Hereditary spastic paraplegia 17. Last evaluated: 2021-07-14. Review status: criteria provided, single submitter. Criteria: ACMG Guidelines, 2015. Collection method: clinical testing. Allele origin: germline. Affected: no.

Illumina Laboratory Services, Illumina
Classification: Benign for Neuronopathy, distal hereditary motor, type 5A. Last evaluated: 2018-01-13. Review status: criteria provided, single submitter. Criteria: ICSL Variant Classification Criteria 13 December 2019. Collection method: clinical testing. Allele origin: germline.
Comment: This variant was observed in the ICSL laboratory as part of a predisposition screen in an ostensibly healthy population. It had not been previously curated by ICSL or reported in the Human Gene Mutation Database (HGMD: prior to June 1st, 2018), and was therefore a candidate for classification through an automated scoring system. Utilizing variant allele frequency, disease prevalence and penetrance estimates, and inheritance mode, an automated score was calculated to assess if this variant is too frequent to cause the disease. Based on the score and internal cut-off values, a variant classified as benign is not then subjected to further curation. The score for this variant resulted in a classification of benign for this disease.

Illumina Laboratory Services, Illumina
Classification: Benign for Congenital generalized lipodystrophy type 2. Last evaluated: 2018-01-13. Review status: criteria provided, single submitter. Criteria: ICSL Variant Classification Criteria 13 December 2019. Collection method: clinical testing. Allele origin: germline.
Comment: the same text as in the submission from Illumina Laboratory Services, Illumina above.

GeneDx
Classification: Benign. Last evaluated: 2015-03-03. Review status: criteria provided, single submitter. Criteria: GeneDx Variant Classification Process June 2021. Collection method: clinical testing. Allele origin: germline. Affected: yes.

Breakthrough Genomics
Classification: Benign. Review status: criteria provided, single submitter. Criteria: ACMG Guidelines, 2015. Collection method: not provided. Allele origin: germline. Inheritance: Autosomal recessive inheritance. Affected: yes.

PreventionGenetics, part of Exact Sciences
Classification: Benign. Review status: criteria provided, single submitter. Criteria: ACMG Guidelines, 2015. Collection method: clinical testing. Allele origin: germline.

Clinical Genetics, Academic Medical Center
Classification: Benign. Review status: no assertion criteria provided. Collection method: clinical testing. Allele origin: germline. Affected: yes. Study: VKGL Data-share Consensus. Not counted in ClinVar's aggregate classification.

Joint Genome Diagnostic Labs from Nijmegen and Maastricht, Radboudumc and MUMC+
Classification: Benign. Review status: no assertion criteria provided. Collection method: clinical testing. Allele origin: germline. Affected: yes. Study: VKGL Data-share Consensus. Not counted in ClinVar's aggregate classification.